The following is an entry in ClinVar:

NM_130849.4(SLC39A4):c.1396C>G (p.His466Asp)

Gene: SLC39A4 (solute carrier family 39 member 4; minus strand). Cytogenetic location: 8q24.3.
Variant type: single nucleotide variant.
Coding change: c.1396C>G on transcript NM_130849.4 (MANE Select); coding-DNA position 1396, C replaced by G.
Protein change: p.His466Asp; replaces histidine 466 with aspartic acid.
Molecular consequence: missense variant.
Genome position (GRCh38, 1-based): chr8:144,413,773, G>C on the plus strand (C>G on the coding strand, the complement: SLC39A4 is on the minus strand). VCF-style: chr8-144413773-G-C. GRCh37 (hg19) VCF-style: chr8-145639157-G-C.
Other names: c.1114C>G, p.His372Asp (NM_001374839.1); c.1321C>G, p.His441Asp (NM_017767.3); c.1396C>G (NM_130849.2); short protein forms H372D, H441D, H466D.
Identifiers: ClinVar variation 2413790 (VCV002413790.3), dbSNP rs782207329, ClinGen allele CA4941248.

ClinVar aggregate classification (germline): Uncertain significance. Review status: criteria provided, multiple submitters, no conflicts (2 of 4 stars). 2 submissions from 2 submitters: Uncertain significance (2). Last evaluated 2024-08-19.

Conditions:
Inborn genetic diseases. Identifiers: MedGen C0950123, MeSH D030342.

Submissions (2):

Ambry Genetics
Classification: Uncertain significance for Inborn genetic diseases. Last evaluated: 2024-08-19. Review status: criteria provided, single submitter. Criteria: Ambry Variant Classification Scheme 2023. Collection method: clinical testing. Allele origin: germline.

Labcorp Genetics (formerly Invitae), Labcorp
Classification: Uncertain significance. Last evaluated: 2021-06-22. Review status: criteria provided, single submitter. Criteria: Invitae Variant Classification Sherloc (09022015). Collection method: clinical testing. Allele origin: germline.
Comment: This sequence change replaces histidine with aspartic acid at codon 466 of the SLC39A4 protein (p.His466Asp). The histidine residue is moderately conserved and there is a moderate physicochemical difference between histidine and aspartic acid. The frequency data for this variant in the population databases is considered unreliable, as metrics indicate poor data quality at this position in the ExAC database. This variant has not been reported in the literature in individuals with SLC39A4-related conditions. Algorithms developed to predict the effect of missense changes on protein structure and function are either unavailable or do not agree on the potential impact of this missense change (SIFT: "Deleterious"; PolyPhen-2: "Benign"; Align-GVGD: "Class C0"). In summary, the available evidence is currently insufficient to determine the role of this variant in disease. Therefore, it has been classified as a Variant of Uncertain Significance.